The following is an entry in ClinVar:

NM_004092.4(ECHS1):c.514+251G>A

Gene: ECHS1 (enoyl-CoA hydratase, short chain 1; minus strand). Cytogenetic location: 10q26.3.
Variant type: single nucleotide variant.
Coding change: c.514+251G>A on transcript NM_004092.4 (MANE Select); 251 bases into the intron after coding-DNA position 514, G replaced by A.
Molecular consequence: intron variant.
Genome position (GRCh38, 1-based): chr10:133,368,672, C>T on the plus strand (G>A on the coding strand, the complement: ECHS1 is on the minus strand). VCF-style: chr10-133368672-C-T. GRCh37 (hg19) VCF-style: chr10-135182176-C-T.
Identifiers: ClinVar variation 673067 (VCV000673067.1), dbSNP rs77728955, ClinGen allele CA216817572.
Genomic context (GRCh38, chr10:133,368,672, plus strand): 5'-ATGTTCCCTCTCTGCCATGGACACGAATCACAAGCAAGAACTGTCATGGTTAGAAGCCAG[C>T]GTTACCCAGGACCAGCCTCTCCCAACACCATCAGATGTGGGCACAGTCACAGTCCCGGGA-3'

ClinVar aggregate classification (germline): Likely benign (1 of 4 stars; one submission).

Allele frequency attached by ClinVar (database versions not stated): 1000 Genomes Project 0.00439; 1000 Genomes Project 30x 0.00468; TOPMed 0.00786; gnomAD 0.00869 and 0.00902.

Submission:

GeneDx
Classification: Likely benign. Last evaluated: 2018-06-14. Review status: criteria provided, single submitter. Criteria: GeneDx Variant Classification (06012015). Collection method: clinical testing. Allele origin: germline. Affected: yes.
Comment: This variant is considered likely benign or benign based on one or more of the following criteria: it is a conservative change, it occurs at a poorly conserved position in the protein, it is predicted to be benign by multiple in silico algorithms, and/or has population frequency not consistent with disease.